The following is an entry in ClinVar:

NM_022168.4(IFIH1):c.770-10T>C

Gene: IFIH1 (interferon induced with helicase C domain 1; minus strand). Cytogenetic location: 2q24.2.
Variant type: single nucleotide variant.
Coding change: c.770-10T>C on transcript NM_022168.4 (MANE Select); 10 bases into the intron before coding-DNA position 770, T replaced by C.
Molecular consequence: intron variant.
Genome position (GRCh38, 1-based): chr2:162,293,678, A>G on the plus strand (T>C on the coding strand, the complement: IFIH1 is on the minus strand). VCF-style: chr2-162293678-A-G. GRCh37 (hg19) VCF-style: chr2-163150188-A-G.
Identifiers: ClinVar variation 930327 (VCV000930327.3), dbSNP rs1683038128, ClinGen allele CA1139655654.

ClinVar aggregate classification (germline): Uncertain significance (1 of 4 stars; one submission).

Conditions:
Singleton-Merten syndrome 1 (SGMRT1). Also called: Widened medullary cavities of bone, aortic calcification, abnormal dentition, and muscular weakness; Syndrome of widened medullary cavities of the metacarpals and phalanges, aortic calcification and abnormal dentition. Identifiers: Orphanet 85191, MedGen C4225427, MONDO:0024535, OMIM 182250.

Submission:

Centre for Mendelian Genomics, University Medical Centre Ljubljana
Classification: Uncertain significance for Singleton-Merten syndrome 1. Last evaluated: 2019-04-08. Review status: criteria provided, single submitter. Criteria: ACMG Guidelines, 2015. Collection method: clinical testing. Allele origin: unknown. Affected: yes.
Comment: This variant was classified as: Uncertain significance. The available evidence on this variant's pathogenicity is insufficient or conflicting. The following ACMG criteria were applied in classifying this variant: PM2.